The following is an entry in ClinVar:

NM_006767.4(LZTR1):c.1841T>C (p.Met614Thr)

Gene: LZTR1 (leucine zipper like post translational regulator 1; plus strand). Cytogenetic location: 22q11.21.
Variant type: single nucleotide variant.
Coding change: c.1841T>C on transcript NM_006767.4 (MANE Select); coding-DNA position 1841, T replaced by C.
Protein change: p.Met614Thr; replaces methionine 614 with threonine.
Molecular consequence: missense variant.
Genome position (GRCh38, 1-based): chr22:20,994,925, T>C. VCF-style: chr22-20994925-T-C. GRCh37 (hg19) VCF-style: chr22-21349214-T-C.
Other names: short protein forms M614T.
Identifiers: ClinVar variation 1781171 (VCV001781171.2), dbSNP rs2518622420, ClinGen allele CA410778572.

ClinVar aggregate classification (germline): Uncertain significance (1 of 4 stars; one submission).

Conditions:
Hereditary cancer-predisposing syndrome. Also called: Neoplastic Syndromes, Hereditary; Tumor predisposition; Hereditary Cancer Syndrome; Hereditary neoplastic syndrome. Identifiers: Orphanet 140162, MedGen C0027672, MeSH D009386, MONDO:0015356.
Cardiovascular phenotype. Identifiers: MedGen CN230736.

Allele frequency attached by ClinVar (database versions not stated): gnomAD exomes below 0.00001.

Submission:

Ambry Genetics
Classification: Uncertain significance for Cardiovascular phenotype; Hereditary cancer-predisposing syndrome. Last evaluated: 2022-10-05. Review status: criteria provided, single submitter. Criteria: Ambry Variant Classification Scheme 2023. Collection method: clinical testing. Allele origin: germline.
Comment: The p.M614T variant (also known as c.1841T>C), located in coding exon 16 of the LZTR1 gene, results from a T to C substitution at nucleotide position 1841. The methionine at codon 614 is replaced by threonine, an amino acid with similar properties. This amino acid position is conserved. In addition, this alteration is predicted to be tolerated by in silico analysis. Since supporting evidence is limited at this time, the clinical significance of this alteration remains unclear.